The following is an entry in ClinVar:

ClinVar aggregate classification (germline): Pathogenic (1 of 4 stars; one submission).

Submission:

Labcorp Genetics (formerly Invitae), Labcorp
Classification: Pathogenic. Last evaluated: 2022-01-21. Review status: criteria provided, single submitter. Criteria: Invitae Variant Classification Sherloc (09022015). Collection method: clinical testing. Allele origin: germline.
Comment: For these reasons, this variant has been classified as Pathogenic. This variant has not been reported in the literature in individuals affected with USH2A-related conditions. This variant is not present in population databases (gnomAD no frequency). This sequence change creates a premature translational stop signal (p.Val1983Cysfs*3) in the USH2A gene. It is expected to result in an absent or disrupted protein product. Loss-of-function variants in USH2A are known to be pathogenic (PMID: 10729113, 10909849, 20507924, 25649381).

Literature cited by the submitters: PubMed 10729113; PubMed 10909849; PubMed 20507924; PubMed 25649381.

NM_206933.4(USH2A):c.5945dup (p.Val1983fs)

Gene: USH2A (usherin; minus strand). Cytogenetic location: 1q41.
Variant type: Duplication.
Coding change: c.5945dup on transcript NM_206933.4 (MANE Select); coding-DNA position 5945, one base duplicated (G; older notation c.5945dupG).
Protein change: p.Val1983fs; shifts the reading frame from valine 1983.
Molecular consequence: frameshift variant.
Genome position (GRCh38, 1-based): chr1:216,070,205, C duplicated on the plus strand (G on the coding strand, the reverse complement: USH2A is on the minus strand); the first of 2 consecutive C bases (chr1:216,070,205-216,070,206); duplicating either gives the same sequence. VCF-style (leftmost placement, unchanged base first): chr1-216070204-A-AC. GRCh37 (hg19) VCF-style: chr1-216243546-A-AC.
Other names: short protein forms V1983fs.
Identifiers: ClinVar variation 2088992 (VCV002088992.4), dbSNP rs2527769820, ClinGen allele CA2580062102.